The following is an entry in ClinVar:

NC_012920.1(MT-CYB):m.15803G>A

Gene: MT-CYB (mitochondrially encoded cytochrome b; plus strand).
Variant type: single nucleotide variant.
Genome position: chrM-15803-G-A.
Identifiers: ClinVar variation 693956 (VCV000693956.1), dbSNP rs1603225508, ClinGen allele CA913174884.

ClinVar aggregate classification (germline): Benign (1 of 4 stars; one submission).

Conditions:
Leigh syndrome (NULS). Also called: Leigh's necrotizing encephalopathy; Leigh's disease; Leigh's syndrome; LEIGH SYNDROME, NUCLEAR; Leigh Syndrome (mtDNA deletion); Leigh Disease. Identifiers: Orphanet 506, MedGen C2931891, MONDO:0009723, OMIM 256000.

Submission:

Wong Mito Lab, Molecular and Human Genetics, Baylor College of Medicine
Classification: Benign for Leigh syndrome. Last evaluated: 2019-10-17. Review status: criteria provided, single submitter. Criteria: Modified ACMG Guidelines (Unpublished). Collection method: clinical testing. Allele origin: germline.
Comment: The NC_012920.1:m.15803G>A (YP_003024038.1:p.Val353Met) variant in MTCYB gene is interpretated to be a Benign variant based on the modified ACMG guidelines (unpublished). This variant meets the following evidence codes: BS1, BS2, BP4